The following is an entry in ClinVar:

NM_000261.2(MYOC):c.733T>G (p.Cys245Gly)

Gene: MYOC (myocilin; minus strand). Cytogenetic location: 1q24.3.
Variant type: single nucleotide variant.
Coding change: c.733T>G on transcript NM_000261.2 (MANE Select); coding-DNA position 733, T replaced by G.
Protein change: p.Cys245Gly; replaces cysteine 245 with glycine.
Molecular consequence: missense variant.
Genome position (GRCh38, 1-based): chr1:171,636,707, A>C on the plus strand (T>G on the coding strand, the complement: MYOC is on the minus strand). VCF-style: chr1-171636707-A-C. GRCh37 (hg19) VCF-style: chr1-171605847-A-C.
Other names: NM_000261.2:c.733T>G; short protein forms C245G.
Identifiers: ClinVar variation 2570626 (VCV002570626.2), dbSNP rs2527840186, ClinGen allele CA343726305.

ClinVar aggregate classification (germline): Uncertain significance (3 of 4 stars; one submission).

Conditions:
Open-angle glaucoma. Identifiers: MedGen C0017612, MONDO:0005338, HP:0012108.

Submission:

ClinGen Glaucoma Variant Curation Expert Panel
Classification: Uncertain significance for Open-angle glaucoma. Last evaluated: 2025-12-03. Review status: reviewed by expert panel. Criteria: ClinGen Glaucoma ACMG Specifications V2.0.0 Approved. Collection method: curation. Allele origin: germline. Inheritance: Autosomal dominant inheritance.
Comment: The c.733T>G variant in MYOC is a missense variant predicted to cause substitution of Cysteine by Glycine at amino acid 245 (p.Cys245Gly). This variant was not found in any genetic ancestry group of gnomAD (v4.1.0), meeting the ≤ 0.0001 threshold set for PM2_Supporting in a genetic ancestry group of at least 10,000 alleles. The REVEL score = 0.917, which was within the 0.773-0.931 range for PP3_Moderate, predicting a damaging effect on MYOC function. There was no functional evidence predicting a damaging or benign impact of this variant on MYOC function. 4 segregations in 1 family, with juvenile open angle glaucoma (JOAG), have been reported (PMID: 36543942), which fulfilled PP1 (3-4 meioses). Only 1 proband with JOAG had been reported (PMID: 36543942), not meeting the ≥ 2 probands threshold required to meet PS4_Supporting. In summary, this variant met the criteria to receive a score of 4 and to be classified as a variant of uncertain significance (uncertain significance classification range -1 to 5, adapted from PMID: 32720330) for juvenile open angle glaucoma based on the ACMG/AMP criteria met, as specified by the ClinGen Glaucoma VCEP (v2.0.0, 5 Dec 2024): PP3_Moderate, PP1, PM2_Supporting